The following is an entry in ClinVar:

ClinVar aggregate classification (germline): Pathogenic (1 of 4 stars; one submission).

Conditions:
Cohen syndrome (COH1). Also called: Cutis verticis gyrata, retinitis pigmentosa, and sensorineural deafness; PEPPER SYNDROME. Identifiers: Orphanet 193, MedGen C0265223, MONDO:0008999, OMIM 216550.

Submission:

Labcorp Genetics (formerly Invitae), Labcorp
Classification: Pathogenic for Cohen syndrome. Last evaluated: 2023-05-30. Review status: criteria provided, single submitter. Criteria: Invitae Variant Classification Sherloc (09022015). Collection method: clinical testing. Allele origin: germline.
Comment: This sequence change creates a premature translational stop signal (p.Trp3857*) in the VPS13B gene. It is expected to result in an absent or disrupted protein product. Loss-of-function variants in VPS13B are known to be pathogenic (PMID: 15141358, 16648375, 20461111). This variant is not present in population databases (gnomAD no frequency). This variant has not been reported in the literature in individuals affected with VPS13B-related conditions. For these reasons, this variant has been classified as Pathogenic.

Literature cited by the submitters: PubMed 15141358; PubMed 16648375; PubMed 20461111.

NM_152564.5(VPS13B):c.11496G>A (p.Trp3832Ter)

Gene: VPS13B (vacuolar protein sorting 13 homolog B; plus strand). Cytogenetic location: 8q22.2.
Variant type: single nucleotide variant.
Coding change: c.11496G>A on transcript NM_152564.5 (MANE Select); coding-DNA position 11496, G replaced by A.
Protein change: p.Trp3832Ter; replaces tryptophan 3832 with a stop codon.
Molecular consequence: nonsense.
Genome position (GRCh38, 1-based): chr8:99,871,448, G>A. VCF-style: chr8-99871448-G-A. GRCh37 (hg19) VCF-style: chr8-100883676-G-A.
Other names: c.11571G>A, p.Trp3857Ter (NM_017890.5); short protein forms W3832*, W3857*.
Identifiers: ClinVar variation 2976819 (VCV002976819.3), dbSNP rs2492375934, ClinGen allele CA371793809.